The following is an entry in ClinVar:

NM_000138.5(FBN1):c.4422A>G (p.Ile1474Met)

Gene: FBN1 (fibrillin 1; minus strand). Cytogenetic location: 15q21.1.
Variant type: single nucleotide variant.
Coding change: c.4422A>G on transcript NM_000138.5 (MANE Select); coding-DNA position 4422, A replaced by G.
Protein change: p.Ile1474Met; replaces isoleucine 1474 with methionine.
Molecular consequence: missense variant.
Genome position (GRCh38, 1-based): chr15:48,470,671, T>C on the plus strand (A>G on the coding strand, the complement: FBN1 is on the minus strand). VCF-style: chr15-48470671-T-C. GRCh37 (hg19) VCF-style: chr15-48762868-T-C.
Other names: c.4422A>G, p.Ile1474Met (NM_001406716.1); short protein forms I1474M.
Identifiers: ClinVar variation 4871216 (VCV004871216.1).

ClinVar aggregate classification (germline): Uncertain significance (1 of 4 stars; one submission).

Conditions:
Familial thoracic aortic aneurysm and aortic dissection (TAAD). Also called: Thoracic aortic aneurysms and dissections. Identifiers: Orphanet 91387, MedGen C4707243, MONDO:0019625.

Submission:

Ambry Genetics
Classification: Uncertain significance for Familial thoracic aortic aneurysm and aortic dissection. Last evaluated: 2026-03-29. Review status: criteria provided, single submitter. Criteria: Ambry Variant Classification Scheme 2023. Collection method: clinical testing. Allele origin: germline.
Comment: The p.I1474M variant (also known as c.4422A>G), located in coding exon 35 of the FBN1 gene, results from an A to G substitution at nucleotide position 4422. The isoleucine at codon 1474 is replaced by methionine, an amino acid with highly similar properties. This amino acid position is conserved. In addition, this alteration is predicted to be tolerated by in silico analysis. Based on the available evidence, the clinical significance of this variant remains unclear.